The following is an entry in ClinVar:

NM_025114.4(CEP290):c.2047_2050del (p.Val683fs)

Gene: CEP290 (centrosomal protein 290; minus strand). Cytogenetic location: 12q21.32.
Variant type: Deletion.
Coding change: c.2047_2050del on transcript NM_025114.4 (MANE Select); coding-DNA positions 2047 to 2050, 4 bases deleted (GTTA; older notation c.2047_2050delGTTA).
Protein change: p.Val683fs; shifts the reading frame from valine 683.
Molecular consequence: frameshift variant.
Genome position (GRCh38, 1-based): chr12:88,114,422-88,114,425, TAAC deleted on the plus strand (GTTA on the coding strand, the reverse complement: CEP290 is on the minus strand); deleting any 4 consecutive bases within chr12:88,114,422-88,114,427 gives the same sequence; the c. name uses the placement nearest the transcript's 3' end. VCF-style (leftmost placement, unchanged base first): chr12-88114421-TTAAC-T. GRCh37 (hg19) VCF-style: chr12-88508198-TTAAC-T.
Other names: short protein forms V683fs.
Identifiers: ClinVar variation 2953436 (VCV002953436.3), dbSNP rs2500813302, ClinGen allele CA2740092504.

ClinVar aggregate classification (germline): Pathogenic (1 of 4 stars; one submission).

Conditions:
Joubert syndrome. Also called: CEREBELLOPARENCHYMAL DISORDER IV; JOUBERT-BOLTSHAUSER SYNDROME; Familial aplasia of the vermis. Identifiers: Orphanet 475, MedGen C5979921, MONDO:0018772.
Nephronophthisis. Also called: Juvenile Nephronophthisis. Identifiers: Orphanet 655, MedGen C0687120, MONDO:0019005, HP:0000090.
Meckel-Gruber syndrome. Also called: DYSENCEPHALIA SPLANCHNOCYSTICA; GRUBER SYNDROME; Dysencephalia splachnocystica. Identifiers: Orphanet 564, MedGen C0265215, MONDO:0018921.

Submission:

Labcorp Genetics (formerly Invitae), Labcorp
Classification: Pathogenic for Joubert syndrome; Meckel-Gruber syndrome; Nephronophthisis. Last evaluated: 2023-10-31. Review status: criteria provided, single submitter. Criteria: Invitae Variant Classification Sherloc (09022015). Collection method: clinical testing. Allele origin: germline.
Comment: This sequence change creates a premature translational stop signal (p.Val683Metfs*3) in the CEP290 gene. It is expected to result in an absent or disrupted protein product. Loss-of-function variants in CEP290 are known to be pathogenic (PMID: 16909394, 17345604, 20690115). This variant is not present in population databases (gnomAD no frequency). This variant has not been reported in the literature in individuals affected with CEP290-related conditions. For these reasons, this variant has been classified as Pathogenic.

Literature cited by the submitters: PubMed 16909394; PubMed 17345604; PubMed 20690115.